The following is an entry in ClinVar:

ClinVar aggregate classification (germline): Likely benign. Review status: criteria provided, single submitter (1 of 4 stars). 2 submissions from 2 submitters: Likely benign (1). 1 of the submissions does not count toward it. Last evaluated 2026-01-12.

Conditions:
SI-related disorder. Also called: SI-related condition.

Allele frequency attached by ClinVar (database versions not stated): gnomAD exomes 0.00007 and 0.00016; gnomAD 0.00055 and 0.00058; TOPMed 0.00055; 1000 Genomes Project 0.00060; 1000 Genomes Project 30x 0.00062; ESP Exome Variant Server 0.00069.

Submissions (2):

Labcorp Genetics (formerly Invitae), Labcorp
Classification: Likely benign. Last evaluated: 2026-01-12. Review status: criteria provided, single submitter. Criteria: Invitae Variant Classification Sherloc (09022015). Collection method: clinical testing. Allele origin: germline.

PreventionGenetics, part of Exact Sciences
Classification: Likely benign for SI-related condition. Last evaluated: 2023-06-16. Review status: no assertion criteria provided. Collection method: clinical testing. Allele origin: germline. Not counted in ClinVar's aggregate classification.
Comment: This variant is classified as likely benign based on ACMG/AMP sequence variant interpretation guidelines (Richards et al. 2015 PMID: 25741868, with internal and published modifications).

NM_001041.4(SI):c.5423G>A (p.Arg1808His)

Gene: SI (sucrase-isomaltase; minus strand). Cytogenetic location: 3q26.1.
Variant type: single nucleotide variant.
Coding change: c.5423G>A on transcript NM_001041.4 (MANE Select); coding-DNA position 5423, G replaced by A.
Protein change: p.Arg1808His; replaces arginine 1808 with histidine.
Molecular consequence: missense variant.
Genome position (GRCh38, 1-based): chr3:164,979,423, C>T on the plus strand (G>A on the coding strand, the complement: SI is on the minus strand). VCF-style: chr3-164979423-C-T. GRCh37 (hg19) VCF-style: chr3-164697211-C-T.
Other names: c.5423G>A (NM_001041.3); short protein forms R1808H.
Identifiers: ClinVar variation 1549343 (VCV001549343.10), dbSNP rs149654947, ClinGen allele CA2689514.